The following is an entry in ClinVar:

ClinVar aggregate classification (germline): Uncertain significance (1 of 4 stars; one submission).

Conditions:
Brugada syndrome 8 (BRGDA8). Identifiers: Orphanet 130, MedGen C2751083, MONDO:0013148, OMIM 613123.

Submission:

Labcorp Genetics (formerly Invitae), Labcorp
Classification: Uncertain significance for Brugada syndrome 8. Last evaluated: 2018-05-14. Review status: criteria provided, single submitter. Criteria: Invitae Variant Classification Sherloc (09022015). Collection method: clinical testing. Allele origin: germline.
Comment: Algorithms developed to predict the effect of missense changes on protein structure and function do not agree on the potential impact of this missense change (SIFT: "Deleterious"; PolyPhen-2: "Benign"; Align-GVGD: "Class C15"). In summary, the available evidence is currently insufficient to determine the role of this variant in disease. Therefore, it has been classified as a Variant of Uncertain Significance. This variant has not been reported in the literature in individuals with HCN4-related disease. This variant is not present in population databases (ExAC no frequency). This sequence change replaces glutamine with histidine at codon 436 of the HCN4 protein (p.Gln436His). The glutamine residue is highly conserved and there is a small physicochemical difference between glutamine and histidine.

NM_005477.3(HCN4):c.1308G>T (p.Gln436His)

Gene: HCN4 (hyperpolarization activated cyclic nucleotide gated potassium channel 4; minus strand). Cytogenetic location: 15q24.1.
Variant type: single nucleotide variant.
Coding change: c.1308G>T on transcript NM_005477.3 (MANE Select); coding-DNA position 1308, G replaced by T.
Protein change: p.Gln436His; replaces glutamine 436 with histidine.
Molecular consequence: missense variant.
Genome position (GRCh38, 1-based): chr15:73,332,194, C>A on the plus strand (G>T on the coding strand, the complement: HCN4 is on the minus strand). VCF-style: chr15-73332194-C-A. GRCh37 (hg19) VCF-style: chr15-73624535-C-A.
Other names: short protein forms Q436H.
Identifiers: ClinVar variation 579395 (VCV000579395.8), dbSNP rs1567777058, ClinGen allele CA393094377.